The following is an entry in ClinVar:

ClinVar aggregate classification (germline): Likely pathogenic (1 of 4 stars; one submission).

Conditions:
Smith-Lemli-Opitz syndrome (SLOS). Also called: RSH SYNDROME; RUTLEDGE LETHAL MULTIPLE CONGENITAL ANOMALY SYNDROME; POLYDACTYLY, SEX REVERSAL, RENAL HYPOPLASIA, AND UNILOBAR LUNG; 7-Dehydrocholesterol reductase deficiency; LETHAL ACRODYSGENITAL SYNDROME. Identifiers: Orphanet 818, MedGen C0175694, MONDO:0010035, OMIM 270400.

Submission:

Labcorp Genetics (formerly Invitae), Labcorp
Classification: Likely pathogenic for Smith-Lemli-Opitz syndrome. Last evaluated: 2021-10-25. Review status: criteria provided, single submitter. Criteria: Invitae Variant Classification Sherloc (09022015). Collection method: clinical testing. Allele origin: germline.
Comment: In summary, the currently available evidence indicates that the variant is pathogenic, but additional data are needed to prove that conclusively. Therefore, this variant has been classified as Likely Pathogenic. This variant has not been reported in the literature in individuals affected with DHCR7-related conditions. Algorithms developed to predict the effect of sequence changes on RNA splicing suggest that this variant may disrupt the consensus splice site. This variant is not present in population databases (ExAC no frequency). This sequence change affects an acceptor splice site in intron 4 of the DHCR7 gene. It is expected to disrupt RNA splicing. Variants that disrupt the donor or acceptor splice site typically lead to a loss of protein function (PMID: 16199547), and loss-of-function variants in DHCR7 are known to be pathogenic (PMID: 9634533, 10677299).

Literature cited by the submitters: PubMed 16199547; PubMed 9634533; PubMed 10677299.

NM_001360.3(DHCR7):c.322-1G>C

Gene: DHCR7 (7-dehydrocholesterol reductase; minus strand). Cytogenetic location: 11q13.4.
Variant type: single nucleotide variant.
Coding change: c.322-1G>C on transcript NM_001360.3 (MANE Select); the canonical splice acceptor site of the intron before coding-DNA position 322, G replaced by C.
Molecular consequence: splice acceptor variant.
Genome position (GRCh38, 1-based): chr11:71,442,354, C>G on the plus strand (G>C on the coding strand, the complement: DHCR7 is on the minus strand). VCF-style: chr11-71442354-C-G. GRCh37 (hg19) VCF-style: chr11-71153400-C-G.
Other names: c.322-1G>C (NM_001163817.2).
Identifiers: ClinVar variation 1497817 (VCV001497817.6), dbSNP rs1565588719, ClinGen allele CA381695216.
Genomic context (GRCh38, chr11:71,442,354, plus strand): 5'-TCCTACGTAGCCGGGTAGAAACTTATGGCAGAAGTCAGGGAGAGACGTGTACAGAAGCAC[C>G]TGAAACACACAAGCAGCCTGATCACCCCCCGCCTGGAGGGCACCTGCAAAGGGGGACGCA-3'